The following is an entry in ClinVar:

NM_001009944.3(PKD1):c.4880_4883del (p.Tyr1627fs)

Gene: PKD1 (polycystin 1, transient receptor potential channel interacting; minus strand). Cytogenetic location: 16p13.3.
Variant type: Deletion.
Coding change: c.4880_4883del on transcript NM_001009944.3 (MANE Select); coding-DNA positions 4880 to 4883, 4 bases deleted (ATGT; older notation c.4880_4883delATGT).
Protein change: p.Tyr1627fs; shifts the reading frame from tyrosine 1627.
Molecular consequence: frameshift variant.
Genome position (GRCh38, 1-based): chr16:2,110,284-2,110,287, ACAT deleted on the plus strand (ATGT on the coding strand, the reverse complement: PKD1 is on the minus strand); deleting any 4 consecutive bases within chr16:2,110,284-2,110,288 gives the same sequence; the c. name uses the placement nearest the transcript's 3' end. VCF-style (leftmost placement, unchanged base first): chr16-2110283-GACAT-G. GRCh37 (hg19) VCF-style: chr16-2160284-GACAT-G.
Other names: c.4880_4883del, p.Tyr1627fs (NM_000296.4); c.4880_4883delATGT (NM_001009944.3); short protein forms Y1627fs.
Identifiers: ClinVar variation 3902610 (VCV003902610.1).

ClinVar aggregate classification (germline): Pathogenic (1 of 4 stars; one submission).

Conditions:
Polycystic kidney disease, adult type (PKD1). Also called: Polycystic Kidney Disease 1, Autosomal Dominant; Polycystic kidney disease 1; Polycystic kidney disease 1, severe; Polycystic Kidney, Autosomal Dominant; POLYCYSTIC KIDNEY DISEASE 1 WITH OR WITHOUT POLYCYSTIC LIVER DISEASE; POLYCYSTIC KIDNEY DISEASE, ADULT, TYPE I. Identifiers: MedGen C3149841, MONDO:0008263, OMIM 173900.

Submission:

Women's Health and Genetics/Laboratory Corporation of America, LabCorp
Classification: Pathogenic for Polycystic kidney disease, adult type. Last evaluated: 2025-05-01. Review status: criteria provided, single submitter. Criteria: LabCorp Variant Classification Summary - May 2015. Collection method: clinical testing. Allele origin: germline.
Comment: Variant summary: PKD1 c.4880_4883delATGT (p.Tyr1627SerfsX5) results in a premature termination codon, predicted to cause a truncation of the encoded protein or absence of the protein due to nonsense mediated decay, which are commonly known mechanisms for disease. The variant was absent in 248842 control chromosomes. c.4880_4883delATGT has been observed in individual(s) affected with Autosomal Dominant Polycystic Kidney Disease 1 (Cornec-Le Gall_2017). To our knowledge, no experimental evidence demonstrating an impact on protein function has been reported. The following publication has been ascertained in the context of this evaluation (PMID: 29038287). No submitters have cited clinical-significance assessments for this variant to ClinVar. Based on the evidence outlined above, the variant was classified as pathogenic.

Literature cited by the submitters: PubMed 29038287.